The following is an entry in ClinVar:

ClinVar aggregate classification (germline): Conflicting classifications of pathogenicity. Review status: criteria provided, conflicting classifications (1 of 4 stars). 5 submissions from 5 submitters: Uncertain significance (1); Benign (3). 1 of the submissions does not count toward it. Last evaluated 2026-01-27.

Conditions:
Retinal dystrophy. Also called: Inherited retinal dystrophy. Identifiers: Orphanet 71862, MedGen C0854723, MeSH D058499, MONDO:0019118, HP:0000556.
Retinitis pigmentosa (RP). Identifiers: Orphanet 791, MedGen C0035334, MeSH D012174, MONDO:0019200, OMIM 268000. Inheritance: Autosomal dominant, autosomal recessive and X linked inheritance.

Allele frequency attached by ClinVar (database versions not stated): gnomAD exomes 0.00957 and 0.01157; ESP Exome Variant Server 0.00984; ExAC 0.00998; gnomAD 0.01001 and 0.01044; 1000 Genomes Project 30x 0.00344; 1000 Genomes Project 0.00359; TOPMed 0.00822.
gnomAD v4.1: 18,270 of 1,613,914 alleles (1.1%); highest among the groups gnomAD compares: Non-Finnish European, 1.3%; 149 homozygotes.

Submissions (5):

Labcorp Genetics (formerly Invitae), Labcorp
Classification: Benign. Last evaluated: 2026-01-27. Review status: criteria provided, single submitter. Criteria: Invitae Variant Classification Sherloc (09022015). Collection method: clinical testing. Allele origin: germline.

CeGaT Center for Human Genetics Tuebingen
Classification: Benign. Last evaluated: 2026-01-01. Review status: criteria provided, single submitter. Criteria: CeGaT Center For Human Genetics Tuebingen Variant Classification Criteria Version 2. Collection method: clinical testing. Allele origin: germline. Affected: yes. Observed: 2 variant alleles.
Comment: MERTK: BP4, BS1, BS2

Dept Of Ophthalmology, Nagoya University
Classification: Benign for Retinal dystrophy. Last evaluated: 2023-10-01. Review status: criteria provided, single submitter. Criteria: Submitter's publication. Collection method: research. Allele origin: germline. Affected: yes.

Illumina Laboratory Services, Illumina
Classification: Uncertain significance for Retinitis pigmentosa. Last evaluated: 2018-01-12. Review status: criteria provided, single submitter. Criteria: ICSL Variant Classification Criteria 13 December 2019. Collection method: clinical testing. Allele origin: germline.

NEI Ophthalmic Genomics Laboratory, National Institutes of Health
No classification provided. Review status: no classification provided. Collection method: not provided. Allele origin: not provided. Not counted in ClinVar's aggregate classification.

NM_006343.3(MERTK):c.878G>A (p.Arg293His)

Gene: MERTK (MER proto-oncogene, tyrosine kinase; plus strand). Cytogenetic location: 2q13.
Variant type: single nucleotide variant.
Coding change: c.878G>A on transcript NM_006343.3 (MANE Select); coding-DNA position 878, G replaced by A.
Protein change: p.Arg293His; replaces arginine 293 with histidine.
Molecular consequence: missense variant.
Genome position (GRCh38, 1-based): chr2:111,968,170, G>A. VCF-style: chr2-111968170-G-A. GRCh37 (hg19) VCF-style: chr2-112725747-G-A.
Other names: short protein forms R293H.
Identifiers: ClinVar variation 100582 (VCV000100582.31), dbSNP rs34072093, ClinGen allele CA228917.